The following is an entry in ClinVar:

NM_001267550.2(TTN):c.49533-7A>G

Genes: TTN-AS1 (TTN antisense RNA 1; plus strand), TTN (titin; minus strand). Cytogenetic location: 2q31.2.
Variant type: single nucleotide variant.
Coding change: c.49533-7A>G on transcript NM_001267550.2 (MANE Select); 7 bases into the intron before coding-DNA position 49533, A replaced by G.
Molecular consequence: intron variant.
Genome position (GRCh38, 1-based): chr2:178,613,283, T>C on the plus strand (A>G on the coding strand, the complement: TTN is on the minus strand). VCF-style: chr2-178613283-T-C. GRCh37 (hg19) VCF-style: chr2-179478010-T-C.
Other names: c.22338-7A>G (NM_003319.4); c.22914-7A>G (NM_133437.4); c.22713-7A>G (NM_133432.3); c.41829-7A>G (NM_133378.4); c.44610-7A>G (NM_001256850.1).
Identifiers: ClinVar variation 512466 (VCV000512466.1), dbSNP rs747701799, ClinGen allele CA1994574.

ClinVar aggregate classification (germline): Likely benign (1 of 4 stars; one submission).

Allele frequency attached by ClinVar (database versions not stated): ExAC 0.00001; gnomAD exomes below 0.00001.
gnomAD v4.1: 2 of 1,600,164 alleles (0.00012%); highest among the groups gnomAD compares: Non-Finnish European, 0.00017%; no homozygotes.

Submission:

GeneDx
Classification: Likely benign. Last evaluated: 2017-09-28. Review status: criteria provided, single submitter. Criteria: GeneDx Variant Classification (06012015). Collection method: clinical testing. Allele origin: germline. Affected: yes.
Comment: This variant is considered likely benign or benign based on one or more of the following criteria: it is a conservative change, it occurs at a poorly conserved position in the protein, it is predicted to be benign by multiple in silico algorithms, and/or has population frequency not consistent with disease.